The following is an entry in ClinVar:

NM_000540.3(RYR1):c.5175C>A (p.Ser1725Arg)

Gene: RYR1 (ryanodine receptor 1; plus strand). Cytogenetic location: 19q13.2.
Variant type: single nucleotide variant.
Coding change: c.5175C>A on transcript NM_000540.3 (MANE Select); coding-DNA position 5175, C replaced by A.
Protein change: p.Ser1725Arg; replaces serine 1725 with arginine.
Molecular consequence: missense variant.
Genome position (GRCh38, 1-based): chr19:38,485,830, C>A. VCF-style: chr19-38485830-C-A. GRCh37 (hg19) VCF-style: chr19-38976470-C-A.
Other names: c.5175C>A, p.Ser1725Arg (NM_001042723.2); short protein forms S1725R.
Identifiers: ClinVar variation 998534 (VCV000998534.9), dbSNP rs763373996, ClinGen allele CA066728.

ClinVar aggregate classification (germline): Uncertain significance. Review status: criteria provided, multiple submitters, no conflicts (2 of 4 stars). 3 submissions from 3 submitters: Uncertain significance (3). Last evaluated 2025-06-04.

Conditions:
RYR1-related disorder. Also called: RYR1-related disorders; RYR1-related condition. Identifiers: MedGen CN239331.
Malignant hyperthermia, susceptibility to, 1 (MHS1). Also called: RYR1-Related Malignant Hyperthermia Susceptibility; Malignant hyperthermia suceptibility 1; Anesthesia related hyperthermia; Malignant hyperpyrexia; Fulminating hyperpyrexia; Pharmacogenic myopathy. Identifiers: Orphanet 423, MedGen C2930980, MONDO:0007783, OMIM 145600.

Allele frequency attached by ClinVar (database versions not stated): gnomAD exomes below 0.00001; ExAC 0.00001; TOPMed 0.00001; gnomAD 0.00002.
gnomAD v4.1: 7 of 1,613,588 alleles (0.00043%); highest among the groups gnomAD compares: Non-Finnish European, 0.00059%; no homozygotes.

Submissions (3):

Labcorp Genetics (formerly Invitae), Labcorp
Classification: Uncertain significance for RYR1-related disorder. Last evaluated: 2025-06-04. Review status: criteria provided, single submitter. Criteria: Invitae Variant Classification Sherloc (09022015). Collection method: clinical testing. Allele origin: germline.
Comment: This sequence change replaces serine, which is neutral and polar, with arginine, which is basic and polar, at codon 1725 of the RYR1 protein (p.Ser1725Arg). The frequency data for this variant in the population databases is considered unreliable, as metrics indicate poor data quality at this position in the gnomAD database. This variant has not been reported in the literature in individuals affected with RYR1-related conditions. ClinVar contains an entry for this variant (Variation ID: 998534). Invitae Evidence Modeling of protein sequence and biophysical properties (such as structural, functional, and spatial information, amino acid conservation, physicochemical variation, residue mobility, and thermodynamic stability) indicates that this missense variant is not expected to disrupt RYR1 protein function with a negative predictive value of 80%. In summary, the available evidence is currently insufficient to determine the role of this variant in disease. Therefore, it has been classified as a Variant of Uncertain Significance.

Revvity Omics, Revvity
Classification: Uncertain significance. Last evaluated: 2024-06-11. Review status: criteria provided, single submitter. Criteria: ACMG Guidelines, 2015. Collection method: clinical testing. Allele origin: germline.

All of Us Research Program, National Institutes of Health
Classification: Uncertain significance for Malignant hyperthermia, susceptibility to, 1. Last evaluated: 2024-02-22. Review status: criteria provided, single submitter. Criteria: ACMG Guidelines, 2015. Collection method: clinical testing. Allele origin: germline. Inheritance: Autosomal dominant inheritance. Observed: 4 variant alleles, 4 heterozygotes.
Comment: This missense variant replaces serine with arginine at codon 1725 of the RYR1 protein. Computational prediction suggests that this variant may not impact protein structure and function (internally defined REVEL score threshold <= 0.5, PMID: 27666373). To our knowledge, functional studies have not been reported for this variant. This variant has not been reported in individuals affected with RYR1-related disorders in the literature. This variant has been identified in 1/245780 chromosomes in the general population by the Genome Aggregation Database (gnomAD). The available evidence is insufficient to determine the role of this variant in disease conclusively. Therefore, this variant is classified as a Variant of Uncertain Significance.

This study involves interpretation of variants in research participants for the purpose of population health screening. Participant phenotype was not available at the time of variant classification. Additional details can be found in publication PMID: 35346344, PMCID: PMC8962531